The following is an entry in ClinVar:

NC_000021.8:g.(?_47551858)_(47552476_?)dup

Gene: COL6A2 (collagen type VI alpha 2 chain; plus strand). Cytogenetic location: 21q22.3.
Variant type: Duplication.
Identifiers: ClinVar variation 2424261 (VCV002424261.5).

ClinVar aggregate classification (germline): Uncertain significance (1 of 4 stars; one submission).

Conditions:
Bethlem myopathy 1A. Also called: Bethlem Muscular Dystrophy; MYOPATHY, BENIGN CONGENITAL, WITH CONTRACTURES; Bethlem myopathy 1. Identifiers: Orphanet 610, MedGen CN029274, MONDO:0024530, OMIM 158810.

Submission:

Labcorp Genetics (formerly Invitae), Labcorp
Classification: Uncertain significance for Bethlem myopathy 1A. Last evaluated: 2022-10-04. Review status: criteria provided, single submitter. Criteria: Invitae Variant Classification Sherloc (09022015). Collection method: clinical testing. Allele origin: germline.
Comment: This variant results in a copy number gain of the genomic region encompassing exon(s) 28 of the COL6A2 gene. This region includes the termination codon of the gene. This copy number gain extends beyond the assayed region for this gene and therefore may encompass additional genes. As the precise location of this event is unknown, it may be in tandem or it may be located elsewhere in the genome. This variant has not been reported in the literature in individuals affected with COL6A2-related conditions. In summary, the available evidence is currently insufficient to determine the role of this variant in disease. Therefore, it has been classified as a Variant of Uncertain Significance.